The following is an entry in ClinVar:

ClinVar aggregate classification (germline): Uncertain significance (1 of 4 stars; one submission).

Submission:

GeneDx
Classification: Uncertain significance. Last evaluated: 2022-06-21. Review status: criteria provided, single submitter. Criteria: GeneDx Variant Classification Process June 2021. Collection method: clinical testing. Allele origin: germline. Affected: yes.
Comment: Not observed at significant frequency in large population cohorts (gnomAD); Frameshift variant predicted to result in protein truncation or nonsense mediated decay in a gene or region of a gene for which loss of function is not a well-established mechanism of disease; Has not been previously published as pathogenic or benign to our knowledge; This variant is associated with the following publications: (PMID: 23975875)

NM_001267550.2(TTN):c.11311+3117_11311+3118insTT

Gene: TTN (titin; minus strand). Cytogenetic location: 2q31.2.
Variant type: Insertion.
Coding change: c.11311+3117_11311+3118insTT on transcript NM_001267550.2 (MANE Select); bases 3117 to 3118 of the intron after coding-DNA position 11311, TT inserted.
Molecular consequence: intron variant. On other transcripts: frameshift variant (1).
Genome position: GRCh38 VCF-style: chr2-178750006-T-TAA. GRCh37 (hg19) VCF-style: chr2-179614733-T-TAA.
Other names: c.12393_12394insTT, p.Lys4132fs (NM_133379.5); c.10222+3117_10222+3118insTT (NM_003319.4); c.10798+3117_10798+3118insTT (NM_133437.4); c.10597+3117_10597+3118insTT (NM_133432.3); c.10360+3117_10360+3118insTT (NM_133378.4, NM_001256850.1); short protein forms K4132fs.
Identifiers: ClinVar variation 1804610 (VCV001804610.1), dbSNP rs751962666, ClinGen allele CA2003559.